The following is an entry in ClinVar:

NM_031935.3(HMCN1):c.437G>A (p.Arg146Gln)

Gene: HMCN1 (hemicentin 1; plus strand). Cytogenetic location: 1q31.1.
Variant type: single nucleotide variant.
Coding change: c.437G>A on transcript NM_031935.3 (MANE Select); coding-DNA position 437, G replaced by A.
Protein change: p.Arg146Gln; replaces arginine 146 with glutamine.
Molecular consequence: missense variant.
Genome position (GRCh38, 1-based): chr1:185,864,567, G>A. VCF-style: chr1-185864567-G-A. GRCh37 (hg19) VCF-style: chr1-185833699-G-A.
Other names: c.437G>A (NM_031935.2); short protein forms R146Q.
Identifiers: ClinVar variation 1430091 (VCV001430091.10), dbSNP rs146401446, ClinGen allele CA1290829.

ClinVar aggregate classification (germline): Conflicting classifications of pathogenicity. Review status: criteria provided, conflicting classifications (1 of 4 stars). 3 submissions from 3 submitters: Uncertain significance (1); Likely benign (1). 1 of the submissions does not count toward it. Last evaluated 2026-02-01.

Conditions:
HMCN1-related disorder. Also called: HMCN1-related condition.

Allele frequency attached by ClinVar (database versions not stated): TOPMed 0.00043; gnomAD 0.00045 and 0.00049; ExAC 0.00055; gnomAD exomes 0.00055; ESP Exome Variant Server 0.00062.
gnomAD v4.1: 1,405 of 1,613,756 alleles (0.087%); highest among the groups gnomAD compares: Non-Finnish European, 0.11%; no homozygotes.

Submissions (4):

Labcorp Genetics (formerly Invitae), Labcorp
Classification: Likely benign. Last evaluated: 2026-02-01. Review status: criteria provided, single submitter. Criteria: Invitae Variant Classification Sherloc (09022015). Collection method: clinical testing. Allele origin: germline.

Ambry Genetics
Classification: Uncertain significance. Last evaluated: 2024-08-20. Review status: criteria provided, single submitter. Criteria: Ambry Variant Classification Scheme 2023. Collection method: clinical testing. Allele origin: germline.

PreventionGenetics, part of Exact Sciences
Classification: Likely benign for HMCN1-related condition. Last evaluated: 2022-02-15. Review status: no assertion criteria provided. Collection method: clinical testing. Allele origin: germline. Not counted in ClinVar's aggregate classification.
Comment: This variant is classified as likely benign based on ACMG/AMP sequence variant interpretation guidelines (Richards et al. 2015 PMID: 25741868, with internal and published modifications).

Dr. Peter K. Rogan Lab, Western University
No classification provided (evidence only). Condition: Thyroid cancer, nonmedullary, 1. Review status: no classification provided. Collection method: in vitro. Allele origin: not applicable. Functional consequence: retained intron. Not counted in ClinVar's aggregate classification.